The following is an entry in ClinVar:

NM_000051.4(ATM):c.2700G>A (p.Met900Ile)

Gene: ATM (ATM serine/threonine kinase; plus strand). Cytogenetic location: 11q22.3.
Variant type: single nucleotide variant.
Coding change: c.2700G>A on transcript NM_000051.4 (MANE Select); coding-DNA position 2700, G replaced by A.
Protein change: p.Met900Ile; replaces methionine 900 with isoleucine.
Molecular consequence: missense variant.
Genome position (GRCh38, 1-based): chr11:108,268,471, G>A. VCF-style: chr11-108268471-G-A. GRCh37 (hg19) VCF-style: chr11-108139198-G-A.
Other names: c.2700G>A, p.Met900Ile (NM_001351834.2); short protein forms M900I.
Identifiers: ClinVar variation 654958 (VCV000654958.21), dbSNP rs1591593939, ClinGen allele CA382545225.
Genomic context (GRCh38, chr11:108,268,471, plus strand): 5'-TGCCATTAATCCTTTAGCTGAAGAATATCTGTCAAAGCAAGATCTACTTTTCTTAGACAT[G>A]CTCAAGTTCTTGTGTTTGTGTGTAACTACTGCTCAGACCAATACTGTGTCCTTTAGGGCA-3'
Protein context (NP_000042.3, residues 890-910): LSKQDLLFLD[Met900Ile]LKFLCLCVTT

ClinVar aggregate classification (germline): Uncertain significance. Review status: criteria provided, multiple submitters, no conflicts (2 of 4 stars). 5 submissions from 5 submitters: Uncertain significance (3). 2 of the submissions do not count toward it. Last evaluated 2025-03-19.

Conditions:
Ataxia-telangiectasia syndrome (AT). Also called: ATAXIA-TELANGIECTASIA, FRESNO VARIANT; Ataxia-telangiectasia, complementation group D; Cerebello-oculocutaneous telangiectasia; Immunodeficiency with ataxia telangiectasia; Ataxia-telangiectasia; Ataxia telangiectasia (A-T). Identifiers: Orphanet 100, MedGen C0004135, MONDO:0008840, OMIM 208900.
Hereditary cancer-predisposing syndrome. Also called: Neoplastic Syndromes, Hereditary; Hereditary neoplastic syndrome; Hereditary Cancer Syndrome; Tumor predisposition. Identifiers: Orphanet 140162, MedGen C0027672, MeSH D009386, MONDO:0015356.

Submissions (5):

Labcorp Genetics (formerly Invitae), Labcorp
Classification: Uncertain significance for Ataxia-telangiectasia syndrome. Last evaluated: 2025-03-19. Review status: criteria provided, single submitter. Criteria: Invitae Variant Classification Sherloc (09022015). Collection method: clinical testing. Allele origin: germline.
Comment: This sequence change replaces methionine, which is neutral and non-polar, with isoleucine, which is neutral and non-polar, at codon 900 of the ATM protein (p.Met900Ile). This variant is not present in population databases (gnomAD no frequency). This variant has not been reported in the literature in individuals affected with ATM-related conditions. ClinVar contains an entry for this variant (Variation ID: 654958). Invitae Evidence Modeling of protein sequence and biophysical properties (such as structural, functional, and spatial information, amino acid conservation, physicochemical variation, residue mobility, and thermodynamic stability) indicates that this missense variant is not expected to disrupt ATM protein function with a negative predictive value of 95%. In summary, the available evidence is currently insufficient to determine the role of this variant in disease. Therefore, it has been classified as a Variant of Uncertain Significance.

Color Diagnostics, LLC DBA Color Health
Classification: Uncertain significance for Hereditary cancer-predisposing syndrome. Last evaluated: 2024-03-06. Review status: criteria provided, single submitter. Criteria: ACMG Guidelines, 2015. Collection method: clinical testing. Allele origin: germline.
Comment: This missense variant replaces methionine with isoleucine at codon 900 of the ATM protein. Computational prediction suggests that this variant may not impact protein structure and function (internally defined REVEL score threshold <= 0.5, PMID: 27666373). Splice site prediction tools suggest that this variant may not impact RNA splicing. To our knowledge, functional studies have not been performed for this variant. This variant has not been reported in individuals affected with hereditary cancer in the literature. This variant has not been identified in the general population by the Genome Aggregation Database (gnomAD). The available evidence is insufficient to determine the role of this variant in disease conclusively. Therefore, this variant is classified as a Variant of Uncertain Significance.

Ambry Genetics
Classification: Uncertain significance for Hereditary cancer-predisposing syndrome. Last evaluated: 2023-09-20. Review status: criteria provided, single submitter. Criteria: Ambry Variant Classification Scheme 2023. Collection method: clinical testing. Allele origin: germline.
Comment: The p.M900I variant (also known as c.2700G>A), located in coding exon 17 of the ATM gene, results from a G to A substitution at nucleotide position 2700. The methionine at codon 900 is replaced by isoleucine, an amino acid with highly similar properties. This amino acid position is well conserved in available vertebrate species. In addition, this alteration is predicted to be tolerated by in silico analysis. Since supporting evidence is limited at this time, the clinical significance of this alteration remains unclear.

Clinical Genetics Laboratory, Department of Pathology, Netherlands Cancer Institute
Classification: Likely benign. Review status: no assertion criteria provided. Collection method: clinical testing. Allele origin: germline. Affected: yes. Study: VKGL Data-share Consensus. Not counted in ClinVar's aggregate classification.

Joint Genome Diagnostic Labs from Nijmegen and Maastricht, Radboudumc and MUMC+
Classification: Likely benign. Review status: no assertion criteria provided. Collection method: clinical testing. Allele origin: germline. Affected: yes. Study: VKGL Data-share Consensus. Not counted in ClinVar's aggregate classification.